The following is an entry in ClinVar:

NM_003072.5(SMARCA4):c.279G>A (p.Met93Ile)

Gene: SMARCA4 (SWI/SNF related BAF chromatin remodeling complex subunit ATPase 4; plus strand). Cytogenetic location: 19p13.2.
Variant type: single nucleotide variant.
Coding change: c.279G>A on transcript NM_003072.5 (MANE Select); coding-DNA position 279, G replaced by A.
Protein change: p.Met93Ile; replaces methionine 93 with isoleucine.
Molecular consequence: missense variant. On other transcripts: non-coding transcript variant (1).
Genome position (GRCh38, 1-based): chr19:10,985,329, G>A. VCF-style: chr19-10985329-G-A. GRCh37 (hg19) VCF-style: chr19-11096005-G-A.
Other names: c.279G>A, p.Met93Ile (NM_001128844.3, NM_001128845.2, NM_001128846.2 and 5 more transcripts); short protein forms M93I.
Identifiers: ClinVar variation 1052174 (VCV001052174.10), dbSNP rs2145750364, ClinGen allele CA404055201.

ClinVar aggregate classification (germline): Uncertain significance (1 of 4 stars; one submission).

Conditions:
Rhabdoid tumor predisposition syndrome 2 (RTPS2). Identifiers: Orphanet 231108, Orphanet 69077, MedGen C2750074, MONDO:0013224, OMIM 613325.

Submission:

Labcorp Genetics (formerly Invitae), Labcorp
Classification: Uncertain significance for Rhabdoid tumor predisposition syndrome 2. Last evaluated: 2022-01-14. Review status: criteria provided, single submitter. Criteria: Invitae Variant Classification Sherloc (09022015). Collection method: clinical testing. Allele origin: germline.
Comment: In summary, the available evidence is currently insufficient to determine the role of this variant in disease. Therefore, it has been classified as a Variant of Uncertain Significance. Algorithms developed to predict the effect of missense changes on protein structure and function are either unavailable or do not agree on the potential impact of this missense change (SIFT: "Deleterious"; PolyPhen-2: "Benign"; Align-GVGD: "Class C0"). ClinVar contains an entry for this variant (Variation ID: 1052174). This variant has not been reported in the literature in individuals affected with SMARCA4-related conditions. This variant is not present in population databases (gnomAD no frequency). This sequence change replaces methionine, which is neutral and non-polar, with isoleucine, which is neutral and non-polar, at codon 93 of the SMARCA4 protein (p.Met93Ile).